The following is an entry in ClinVar:

NM_001080.3(ALDH5A1):c.652G>A (p.Ala218Thr)

Gene: ALDH5A1 (aldehyde dehydrogenase 5 family member A1; plus strand). Cytogenetic location: 6p22.3.
Variant type: single nucleotide variant.
Coding change: c.652G>A on transcript NM_001080.3 (MANE Select); coding-DNA position 652, G replaced by A.
Protein change: p.Ala218Thr; replaces alanine 218 with threonine.
Molecular consequence: missense variant.
Genome position (GRCh38, 1-based): chr6:24,504,911, G>A. VCF-style: chr6-24504911-G-A. GRCh37 (hg19) VCF-style: chr6-24505139-G-A.
Other names: c.652G>A, p.Ala218Thr (NM_001368954.1, NM_170740.1); short protein forms A218T.
Identifiers: ClinVar variation 841894 (VCV000841894.5), dbSNP rs772998296, ClinGen allele CA3656684.
Genomic context (GRCh38, chr6:24,504,911, plus strand): 5'-CTGCTCTTCTAACCCCAGTGGAATTTCCCCAGTGCCATGATCACCCGGAAGGTGGGGGCC[G>A]CCCTGGCAGCCGGCTGTACTGTCGTGGTGAAGCCTGCCGAAGACACGCCCTTCTCCGCCC-3'
Protein context (NP_001071.1, residues 208-228): SAMITRKVGA[Ala218Thr]LAAGCTVVVK

ClinVar aggregate classification (germline): Uncertain significance (1 of 4 stars; one submission).

Conditions:
Succinate-semialdehyde dehydrogenase deficiency (SSADHD). Also called: Succinic Semialdehyde Dehydrogenase Deficiency; SSADH DEFICIENCY; 4-HYDROXYBUTYRIC ACIDURIA; GABA METABOLIC DEFECT. Identifiers: Orphanet 22, MedGen C0268631, MONDO:0010083, OMIM 271980.

Allele frequency attached by ClinVar (database versions not stated): ExAC 0.00001; gnomAD exomes 0.00001 and 0.00002; gnomAD 0.00006 and 0.00005; TOPMed 0.00006.
gnomAD v4.1: 25 of 1,614,076 alleles (0.0015%); highest among the groups gnomAD compares: African/African-American, 0.015%; no homozygotes.

Submission:

Labcorp Genetics (formerly Invitae), Labcorp
Classification: Uncertain significance for Succinate-semialdehyde dehydrogenase deficiency. Last evaluated: 2022-06-04. Review status: criteria provided, single submitter. Criteria: Invitae Variant Classification Sherloc (09022015). Collection method: clinical testing. Allele origin: germline.
Comment: This sequence change replaces alanine, which is neutral and non-polar, with threonine, which is neutral and polar, at codon 218 of the ALDH5A1 protein (p.Ala218Thr). This variant is present in population databases (rs772998296, gnomAD 0.01%). This variant has not been reported in the literature in individuals affected with ALDH5A1-related conditions. ClinVar contains an entry for this variant (Variation ID: 841894). Advanced modeling of protein sequence and biophysical properties (such as structural, functional, and spatial information, amino acid conservation, physicochemical variation, residue mobility, and thermodynamic stability) performed at Invitae indicates that this missense variant is expected to disrupt ALDH5A1 protein function. In summary, the available evidence is currently insufficient to determine the role of this variant in disease. Therefore, it has been classified as a Variant of Uncertain Significance.